The following is an entry in ClinVar:

ClinVar aggregate classification (germline): Likely benign (0 of 4 stars; one submission).

Conditions:
CBX2-related disorder. Also called: CBX2-related condition.

Allele frequency attached by ClinVar (database versions not stated): ESP Exome Variant Server 0.00008.
gnomAD v4.1: 39 of 1,613,118 alleles (0.0024%); highest among the groups gnomAD compares: South Asian, 0.0033%; no homozygotes.

Submission:

PreventionGenetics, part of Exact Sciences
Classification: Likely benign for CBX2-related condition. Last evaluated: 2019-02-22. Review status: no assertion criteria provided. Collection method: clinical testing. Allele origin: germline.
Comment: This variant is classified as likely benign based on ACMG/AMP sequence variant interpretation guidelines (Richards et al. 2015 PMID: 25741868, with internal and published modifications).

NM_005189.3(CBX2):c.1428G>T (p.Pro476=)

Gene: CBX2 (chromobox 2; plus strand). Cytogenetic location: 17q25.3.
Variant type: single nucleotide variant.
Coding change: c.1428G>T on transcript NM_005189.3 (MANE Select); coding-DNA position 1428, G replaced by T.
Protein change: p.Pro476=; no amino-acid change (proline 476 retained).
Molecular consequence: synonymous variant.
Genome position (GRCh38, 1-based): chr17:79,784,871, G>T. VCF-style: chr17-79784871-G-T. GRCh37 (hg19) VCF-style: chr17-77758670-G-T.
Identifiers: ClinVar variation 3051861 (VCV003051861.2), dbSNP rs140909251, ClinGen allele CA8811521.